The following is an entry in ClinVar:

NM_001457.4(FLNB):c.293-3C>T

Gene: FLNB (filamin B; plus strand). Cytogenetic location: 3p14.3.
Variant type: single nucleotide variant.
Coding change: c.293-3C>T on transcript NM_001457.4 (MANE Select); 3 bases into the intron before coding-DNA position 293, C replaced by T.
Molecular consequence: intron variant.
Genome position (GRCh38, 1-based): chr3:58,077,043, C>T. VCF-style: chr3-58077043-C-T. GRCh37 (hg19) VCF-style: chr3-58062770-C-T.
Other names: c.293-3C>T (NM_001164317.2, NM_001164318.2, NM_001164319.2).
Identifiers: ClinVar variation 3718770 (VCV003718770.2).
Genomic context (GRCh38, chr3:58,077,043, plus strand): 5'-AAGGAGCATAATTTACACTTGTGTAACCCAAAGGAATGACCAAGCCTGTGCTTCTCTCCC[C>T]AGATAGCAAAGCCATTGTGGATGGGAACCTGAAGCTCATCTTGGGTCTGGTGTGGACGCT-3'

ClinVar aggregate classification (germline): Uncertain significance (1 of 4 stars; one submission).

gnomAD v4.1: 5 of 1,614,002 alleles (0.00031%); highest among the groups gnomAD compares: Non-Finnish European, 0.00034%; no homozygotes.

Submission:

Labcorp Genetics (formerly Invitae), Labcorp
Classification: Uncertain significance. Last evaluated: 2024-06-08. Review status: criteria provided, single submitter. Criteria: Invitae Variant Classification Sherloc (09022015). Collection method: clinical testing. Allele origin: germline.
Comment: This sequence change falls in intron 1 of the FLNB gene. It does not directly change the encoded amino acid sequence of the FLNB protein. It affects a nucleotide within the consensus splice site. This variant is present in population databases (no rsID available, gnomAD 0.002%). This variant has not been reported in the literature in individuals affected with FLNB-related conditions. Variants that disrupt the consensus splice site are a relatively common cause of aberrant splicing (PMID: 17576681, 9536098). Algorithms developed to predict the effect of sequence changes on RNA splicing suggest that this variant is not likely to affect RNA splicing. In summary, the available evidence is currently insufficient to determine the role of this variant in disease. Therefore, it has been classified as a Variant of Uncertain Significance.

Literature cited by the submitters: PubMed 17576681; PubMed 9536098.